The following is an entry in ClinVar:

NM_000489.6(ATRX):c.4126A>G (p.Ser1376Gly)

Gene: ATRX (ATRX chromatin remodeler; minus strand). Cytogenetic location: Xq21.1.
Variant type: single nucleotide variant.
Coding change: c.4126A>G on transcript NM_000489.6 (MANE Select); coding-DNA position 4126, A replaced by G.
Protein change: p.Ser1376Gly; replaces serine 1376 with glycine.
Molecular consequence: missense variant.
Genome position (GRCh38, 1-based): chrX:77,656,648, T>C on the plus strand (A>G on the coding strand, the complement: ATRX is on the minus strand). VCF-style: chrX-77656648-T-C. GRCh37 (hg19) VCF-style: chrX-76912138-T-C.
Other names: c.4012A>G, p.Ser1338Gly (NM_138270.5); short protein forms S1338G, S1376G.
Identifiers: ClinVar variation 2571899 (VCV002571899.1), dbSNP rs2522781036, ClinGen allele CA413710792.

ClinVar aggregate classification (germline): Uncertain significance (1 of 4 stars; one submission).

Submission:

GeneDx
Classification: Uncertain significance. Last evaluated: 2023-01-06. Review status: criteria provided, single submitter. Criteria: GeneDx Variant Classification Process June 2021. Collection method: clinical testing. Allele origin: germline. Affected: yes.
Comment: Not observed at significant frequency in large population cohorts (gnomAD); In silico analysis supports that this missense variant has a deleterious effect on protein structure/function; Has not been previously published as pathogenic or benign to our knowledge